The following is an entry in ClinVar:

NM_004519.4(KCNQ3):c.1568+15G>A

Gene: KCNQ3 (potassium voltage-gated channel subfamily Q member 3; minus strand). Cytogenetic location: 8q24.22.
Variant type: single nucleotide variant.
Coding change: c.1568+15G>A on transcript NM_004519.4 (MANE Select); 15 bases into the intron after coding-DNA position 1568, G replaced by A.
Molecular consequence: intron variant.
Genome position (GRCh38, 1-based): chr8:132,140,061, C>T on the plus strand (G>A on the coding strand, the complement: KCNQ3 is on the minus strand). VCF-style: chr8-132140061-C-T. GRCh37 (hg19) VCF-style: chr8-133152308-C-T.
Other names: c.1208+15G>A (NM_001204824.2).
Identifiers: ClinVar variation 911825 (VCV000911825.12), dbSNP rs766512941, ClinGen allele CA4880669.

ClinVar aggregate classification (germline): Benign/Likely benign. Review status: criteria provided, multiple submitters, no conflicts (2 of 4 stars). 3 submissions from 3 submitters: Benign (1); Likely benign (2). Last evaluated 2025-02-24.

Conditions:
Seizures, benign familial neonatal, 2. Also called: Benign Neonatal Epilepsy 2; CONVULSIONS, BENIGN FAMILIAL NEONATAL, 2; Seizures, benign neonatal, 2; KCNQ3-Related Benign Familial Neonatal Epilepsy; KCNQ3-Related Self-Limited Familial Neonatal Epilepsy (SLFNE). Identifiers: Orphanet 1949, MedGen C1852581, MONDO:0007366, OMIM 121201.
Benign neonatal seizures. Also called: Benign neonatal familial convulsions; Convulsions benign familial neonatal dominant form; Autosomal dominant form of benign neonatal seizures; Benign familial neonatal seizures; Benign familial neonatal epilepsy. Identifiers: Orphanet 1949, MedGen C0220669, MONDO:0016027.

Allele frequency attached by ClinVar (database versions not stated): gnomAD 0.00003; TOPMed 0.00003; ExAC 0.00005; gnomAD exomes 0.00005.
gnomAD v4.1: 58 of 1,562,614 alleles (0.0037%); highest among the groups gnomAD compares: Admixed American, 0.018%; no homozygotes.

Submissions (3):

Labcorp Genetics (formerly Invitae), Labcorp
Classification: Likely benign for Benign neonatal seizures. Last evaluated: 2025-02-24. Review status: criteria provided, single submitter. Criteria: Invitae Variant Classification Sherloc (09022015). Collection method: clinical testing. Allele origin: germline.

Blueprint Genetics
Classification: Likely benign. Last evaluated: 2022-09-01. Review status: criteria provided, single submitter. Criteria: ACMG Guidelines, 2015. Collection method: clinical testing. Allele origin: germline.

Illumina Laboratory Services, Illumina
Classification: Benign for Seizures, benign familial neonatal, 2. Last evaluated: 2018-01-13. Review status: criteria provided, single submitter. Criteria: ICSL Variant Classification Criteria 13 December 2019. Collection method: clinical testing. Allele origin: germline.
Comment: This variant was observed in the ICSL laboratory as part of a predisposition screen in an ostensibly healthy population. It had not been previously curated by ICSL or reported in the Human Gene Mutation Database (HGMD: prior to June 1st, 2018), and was therefore a candidate for classification through an automated scoring system. Utilizing variant allele frequency, disease prevalence and penetrance estimates, and inheritance mode, an automated score was calculated to assess if this variant is too frequent to cause the disease. Based on the score and internal cut-off values, a variant classified as benign is not then subjected to further curation. The score for this variant resulted in a classification of benign for this disease.